The following is an entry in ClinVar:

NM_001113491.2(SEPTIN9):c.1651A>G (p.Ile551Val)

Gene: SEPTIN9 (septin 9; plus strand). Cytogenetic location: 17q25.3.
Variant type: single nucleotide variant.
Coding change: c.1651A>G on transcript NM_001113491.2 (MANE Select); coding-DNA position 1651, A replaced by G.
Protein change: p.Ile551Val; replaces isoleucine 551 with valine.
Molecular consequence: missense variant.
Genome position (GRCh38, 1-based): chr17:77,498,548, A>G. VCF-style: chr17-77498548-A-G. GRCh37 (hg19) VCF-style: chr17-75494630-A-G.
Other names: c.1159A>G, p.Ile387Val (NM_001113492.2, NM_001113494.1); c.1630A>G, p.Ile544Val (NM_001113493.2); c.898A>G, p.Ile300Val (NM_001113495.2, NM_001113496.2, NM_001293697.2 and 1 more transcripts); c.1594A>G, p.Ile532Val (NM_001293695.2); c.979A>G, p.Ile327Val (NM_001293696.2); c.1597A>G, p.Ile533Val (NM_006640.5); short protein forms I300V, I327V, I387V, I532V, I533V, I544V, I551V.
Identifiers: ClinVar variation 3619187 (VCV003619187.2).

ClinVar aggregate classification (germline): Uncertain significance (1 of 4 stars; one submission).

gnomAD v4.1: 1 of 1,428,828 alleles (0.00007%); no homozygotes.

Submission:

Labcorp Genetics (formerly Invitae), Labcorp
Classification: Uncertain significance. Last evaluated: 2024-07-23. Review status: criteria provided, single submitter. Criteria: Invitae Variant Classification Sherloc (09022015). Collection method: clinical testing. Allele origin: germline.
Comment: This sequence change replaces isoleucine, which is neutral and non-polar, with valine, which is neutral and non-polar, at codon 533 of the SEPT9 protein (p.Ile533Val). This variant is present in population databases (no rsID available, gnomAD 0.001%). This variant has not been reported in the literature in individuals affected with SEPT9-related conditions. Advanced modeling of protein sequence and biophysical properties (such as structural, functional, and spatial information, amino acid conservation, physicochemical variation, residue mobility, and thermodynamic stability) performed at Invitae indicates that this missense variant is not expected to disrupt SEPT9 protein function with a negative predictive value of 80%. In summary, the available evidence is currently insufficient to determine the role of this variant in disease. Therefore, it has been classified as a Variant of Uncertain Significance.